The following is an entry in ClinVar:

ClinVar aggregate classification (germline): Uncertain significance (1 of 4 stars; one submission).

gnomAD v4.1: 2 of 1,614,084 alleles (0.00012%); highest among the groups gnomAD compares: Non-Finnish European, 0.00017%; no homozygotes.

Submission:

GeneDx
Classification: Uncertain significance. Last evaluated: 2024-08-14. Review status: criteria provided, single submitter. Criteria: GeneDx Variant Classification Process June 2021. Collection method: clinical testing. Allele origin: germline. Affected: yes.
Comment: Not observed at significant frequency in large population cohorts (gnomAD); In silico analysis indicates that this missense variant does not alter protein structure/function; Has not been previously published as pathogenic or benign to our knowledge

NM_207581.4(DUOXA2):c.281G>A (p.Arg94His)

Gene: DUOXA2 (dual oxidase maturation factor 2; plus strand). Cytogenetic location: 15q21.1.
Variant type: single nucleotide variant.
Coding change: c.281G>A on transcript NM_207581.4 (MANE Select); coding-DNA position 281, G replaced by A.
Protein change: p.Arg94His; replaces arginine 94 with histidine.
Molecular consequence: missense variant.
Genome position (GRCh38, 1-based): chr15:45,116,199, G>A. VCF-style: chr15-45116199-G-A. GRCh37 (hg19) VCF-style: chr15-45408397-G-A.
Other names: short protein forms R94H.
Identifiers: ClinVar variation 3731034 (VCV003731034.1).